The following is an entry in ClinVar:

NM_001145715.3(KPNA7):c.734C>T (p.Ala245Val)

Gene: KPNA7 (karyopherin subunit alpha 7; minus strand). Cytogenetic location: 7q22.1.
Variant type: single nucleotide variant.
Coding change: c.734C>T on transcript NM_001145715.3 (MANE Select); coding-DNA position 734, C replaced by T.
Protein change: p.Ala245Val; replaces alanine 245 with valine.
Molecular consequence: missense variant.
Genome position (GRCh38, 1-based): chr7:99,188,466, G>A on the plus strand (C>T on the coding strand, the complement: KPNA7 is on the minus strand). VCF-style: chr7-99188466-G-A. GRCh37 (hg19) VCF-style: chr7-98786089-G-A.
Other names: short protein forms A245V.
Identifiers: ClinVar variation 1387451 (VCV001387451.8), dbSNP rs944236325, ClinGen allele CA163745804.

ClinVar aggregate classification (germline): Uncertain significance (1 of 4 stars; one submission).

Allele frequency attached by ClinVar (database versions not stated): gnomAD 0.00001; gnomAD exomes 0.00001 and 0.00004; TOPMed 0.00001.
gnomAD v4.1: 55 of 1,551,722 alleles (0.0035%); highest among the groups gnomAD compares: East Asian, 0.13%; no homozygotes.

Submission:

Labcorp Genetics (formerly Invitae), Labcorp
Classification: Uncertain significance. Last evaluated: 2022-09-01. Review status: criteria provided, single submitter. Criteria: Invitae Variant Classification Sherloc (09022015). Collection method: clinical testing. Allele origin: germline.
Comment: The frequency data for this variant in the population databases is considered unreliable, as metrics indicate poor data quality at this position in the gnomAD database. This sequence change replaces alanine, which is neutral and non-polar, with valine, which is neutral and non-polar, at codon 245 of the KPNA7 protein (p.Ala245Val). In summary, the available evidence is currently insufficient to determine the role of this variant in disease. Therefore, it has been classified as a Variant of Uncertain Significance. Algorithms developed to predict the effect of missense changes on protein structure and function output the following: SIFT: "Tolerated"; PolyPhen-2: "Benign"; Align-GVGD: "Class C0". The valine amino acid residue is found in multiple mammalian species, which suggests that this missense change does not adversely affect protein function. ClinVar contains an entry for this variant (Variation ID: 1387451). This variant has not been reported in the literature in individuals affected with KPNA7-related conditions.